The following is an entry in ClinVar:

NM_005732.4(RAD50):c.1310del (p.Thr437fs)

Gene: RAD50 (RAD50 double strand break repair protein; plus strand). Cytogenetic location: 5q31.1.
Variant type: Deletion.
Coding change: c.1310del on transcript NM_005732.4 (MANE Select); coding-DNA position 1310, one base deleted (C; older notation c.1310delC).
Protein change: p.Thr437fs; shifts the reading frame from threonine 437.
Molecular consequence: frameshift variant.
Genome position (GRCh38, 1-based): chr5:132,589,695, C deleted. VCF-style (leftmost placement, unchanged base first): chr5-132589694-AC-A. GRCh37 (hg19) VCF-style: chr5-131925386-AC-A.
Other names: p.Thr437Metfs*6; short protein forms T437fs.
Identifiers: ClinVar variation 3429494 (VCV003429494.2).
Genomic context (GRCh38, chr5:132,589,694, plus strand): 5'-GACTTTGCAGAAAAAGAGACTCTGAAACAAAAACAGATAGATGAGATAAGAGATAAGAAA[AC>A]TGGACTGGGAAGAATAATTGAGTTAAAATCAGAAATCCTAAGTAAGAAGCAGAATGAGCT-3'

ClinVar aggregate classification (germline): Pathogenic/Likely pathogenic. Review status: criteria provided, multiple submitters, no conflicts (2 of 4 stars). 2 submissions from 2 submitters: Pathogenic (1); Likely pathogenic (1). Last evaluated 2024-09-24.

Conditions:
Nijmegen breakage syndrome-like disorder (NBSLD). Also called: MICROCEPHALY AND SPONTANEOUS CHROMOSOME INSTABILITY WITHOUT IMMUNODEFICIENCY; NBS-LIKE DISORDER; RAD50 DEFICIENCY. Identifiers: Orphanet 240760, MedGen C2751318, MONDO:0013118, OMIM 613078.
Hereditary cancer-predisposing syndrome. Also called: Tumor predisposition; Neoplastic Syndromes, Hereditary; Hereditary Cancer Syndrome; Hereditary neoplastic syndrome. Identifiers: Orphanet 140162, MedGen C0027672, MeSH D009386, MONDO:0015356.

Submissions (2):

Ambry Genetics
Classification: Pathogenic for Hereditary cancer-predisposing syndrome. Last evaluated: 2024-09-24. Review status: criteria provided, single submitter. Criteria: Ambry Variant Classification Scheme 2023. Collection method: clinical testing. Allele origin: germline.
Comment: The c.1310delC pathogenic mutation, located in coding exon 9 of the RAD50 gene, results from a deletion of one nucleotide at nucleotide position 1310, causing a translational frameshift with a predicted alternate stop codon (p.T437Mfs*6). This variant is considered to be rare based on population cohorts in the Genome Aggregation Database (gnomAD). This alteration is expected to result in loss of function by premature protein truncation or nonsense-mediated mRNA decay. As such, this alteration is interpreted as a disease-causing mutation.

Breda Genetics srl
Classification: Likely pathogenic for Nijmegen breakage syndrome-like disorder. Last evaluated: 2020-10-14. Review status: criteria provided, single submitter. Criteria: ACMG Guidelines, 2015. Collection method: clinical testing. Allele origin: germline. Affected: no. Observed: 1 variant allele.
Comment: Variant identified in heterozygosity during clinical genomic testing. The frameshift was interpreted as likely pathogenic based on rarity and predicted loss of function.